The following is an entry in ClinVar:

NM_032242.4(PLXNA1):c.3226G>A (p.Val1076Ile)

Gene: PLXNA1 (plexin A1; plus strand). Cytogenetic location: 3q21.3.
Variant type: single nucleotide variant.
Coding change: c.3226G>A on transcript NM_032242.4 (MANE Select); coding-DNA position 3226, G replaced by A.
Protein change: p.Val1076Ile; replaces valine 1076 with isoleucine.
Molecular consequence: missense variant.
Genome position (GRCh38, 1-based): chr3:127,016,987, G>A. VCF-style: chr3-127016987-G-A. GRCh37 (hg19) VCF-style: chr3-126735830-G-A.
Other names: short protein forms V1076I.
Identifiers: ClinVar variation 4984278 (VCV004984278.1).

ClinVar aggregate classification (germline): Uncertain significance (1 of 4 stars; one submission).

Conditions:
PLXNA1-related disorder. Also called: PLXNA1-related condition.

gnomAD v4.1: 7 of 1,613,512 alleles (0.00043%); highest among the groups gnomAD compares: African/African-American, 0.0013%; no homozygotes.

Submission:

PreventionGenetics, part of Exact Sciences
Classification: Uncertain significance for PLXNA1-related condition. Last evaluated: 2026-07-22. Review status: criteria provided, single submitter. Criteria: ACMG Guidelines, 2015. Collection method: clinical testing. Allele origin: germline.
Comment: The PLXNA1 c.3226G>A variant is predicted to result in the amino acid substitution p.Val1076Ile. To our knowledge, this variant has not been reported in the literature or in a large population database (gnomAD), indicating this variant is rare. At this time, the clinical significance of this variant is uncertain due to the absence of conclusive functional and genetic evidence.